The following is an entry in ClinVar:

ClinVar aggregate classification (germline): Uncertain significance (1 of 4 stars; one submission).

Conditions:
Inborn genetic diseases. Identifiers: MedGen C0950123, MeSH D030342.

Submission:

Ambry Genetics
Classification: Uncertain significance for Inborn genetic diseases. Last evaluated: 2023-12-14. Review status: criteria provided, single submitter. Criteria: Ambry Variant Classification Scheme 2023. Collection method: clinical testing. Allele origin: germline.
Comment: The p.I1868S variant (also known as c.5603T>G), located in coding exon 38 of the LRRK2 gene, results from a T to G substitution at nucleotide position 5603. The isoleucine at codon 1868 is replaced by serine, an amino acid with dissimilar properties. This amino acid position is conserved. In addition, the in silico prediction for this alteration is inconclusive. Since supporting evidence is limited at this time, the clinical significance of this alteration remains unclear.

NM_198578.4(LRRK2):c.5603T>G (p.Ile1868Ser)

Gene: LRRK2 (leucine rich repeat kinase 2; plus strand). Cytogenetic location: 12q12.
Variant type: single nucleotide variant.
Coding change: c.5603T>G on transcript NM_198578.4 (MANE Select); coding-DNA position 5603, T replaced by G.
Protein change: p.Ile1868Ser; replaces isoleucine 1868 with serine.
Molecular consequence: missense variant.
Genome position (GRCh38, 1-based): chr12:40,323,253, T>G. VCF-style: chr12-40323253-T-G. GRCh37 (hg19) VCF-style: chr12-40717055-T-G.
Other names: short protein forms I1868S.
Identifiers: ClinVar variation 3229704 (VCV003229704.1), dbSNP rs2499889143, ClinGen allele CA384421148.
Genomic context (GRCh38, chr12:40,323,253, plus strand): 5'-TCACCATTCCAATATCTCAGATTGCCCCTGACTTGATTTTGGCTGACCTGCCTAGAAATA[T>G]TATGTTGAATAATGATGAGTTGGAATTTGAACAAGCTCCAGAGTTTCTCCTAGGTAATTC-3'
Protein context (NP_940980.4, residues 1858-1878): DLILADLPRN[Ile1868Ser]MLNNDELEFE